The following is an entry in ClinVar:

NM_201384.3(PLEC):c.11056C>T (p.Leu3686Phe)

Gene: PLEC (plectin; minus strand). Cytogenetic location: 8q24.3.
Variant type: single nucleotide variant.
Coding change: c.11056C>T on transcript NM_201384.3 (MANE Select); coding-DNA position 11056, C replaced by T.
Protein change: p.Leu3686Phe; replaces leucine 3686 with phenylalanine.
Molecular consequence: missense variant.
Genome position (GRCh38, 1-based): chr8:143,918,765, G>A on the plus strand (C>T on the coding strand, the complement: PLEC is on the minus strand). VCF-style: chr8-143918765-G-A. GRCh37 (hg19) VCF-style: chr8-144992933-G-A.
Other names: c.10960C>T, p.Leu3654Phe (NM_201381.3); c.11056C>T, p.Leu3686Phe (NM_201382.4); c.11068C>T, p.Leu3690Phe (NM_201383.3); c.11137C>T, p.Leu3713Phe (NM_000445.5); c.7756C>T, p.Leu2586Phe (NM_001410941.1); c.11014C>T, p.Leu3672Phe (NM_201378.4); c.10990C>T, p.Leu3664Phe (NM_201379.3); c.11467C>T, p.Leu3823Phe (NM_201380.4); short protein forms L3672F, L3686F, L3690F, L3664F, L3713F, L3823F, L2586F, L3654F.
Identifiers: ClinVar variation 2922910 (VCV002922910.3), dbSNP rs782275683, ClinGen allele CA372494664.

ClinVar aggregate classification (germline): Uncertain significance (1 of 4 stars; one submission).

Conditions:
Epidermolysis bullosa simplex with nail dystrophy (EBS5D). Identifiers: MedGen C4225309, MONDO:0014661, OMIM 616487.
Epidermolysis bullosa simplex, Ogna type (EBS5A). Also called: EPIDERMOLYSIS BULLOSA SIMPLEX 5A, OGNA TYPE; Pidermolysis bullosa simplex 5A, Ogna type. Identifiers: Orphanet 79401, MedGen C0432317, MONDO:0007555, OMIM 131950.
Epidermolysis bullosa simplex 5C, with pyloric atresia (EBS5C). Also called: PLEC1-Related Epidermolysis Bullosa with Pyloric Atresia; PLEC-Related Epidermolysis Bullosa with Pyloric Atresia; Epidermolysis bullosa simplex with pyloric atresia. Identifiers: Orphanet 158684, MedGen C2677349, MONDO:0012807, OMIM 612138.
Autosomal recessive limb-girdle muscular dystrophy type 2Q (LGMDR17). Also called: MUSCULAR DYSTROPHY, LIMB-GIRDLE, AUTOSOMAL RECESSIVE 17. Identifiers: Orphanet 254361, MedGen C3150989, MONDO:0013390, OMIM 613723.
Epidermolysis bullosa simplex 5B, with muscular dystrophy (EBS5B). Also called: EPIDERMOLYSIS BULLOSA SIMPLEX AND LIMB-GIRDLE MUSCULAR DYSTROPHY; Epidermolysis bullosa simplex with muscular dystrophy. Identifiers: Orphanet 257, MedGen C2931072, MONDO:0009181, OMIM 226670.

gnomAD v4.1: 4 of 1,613,114 alleles (0.00025%); highest among the groups gnomAD compares: Non-Finnish European, 0.00025%; no homozygotes.

Submission:

Labcorp Genetics (formerly Invitae), Labcorp
Classification: Uncertain significance for Autosomal recessive limb-girdle muscular dystrophy type 2Q; Epidermolysis bullosa simplex, Ogna type; Epidermolysis bullosa simplex with nail dystrophy; Epidermolysis bullosa simplex 5C, with pyloric atresia; Epidermolysis bullosa simplex 5B, with muscular dystrophy. Last evaluated: 2023-04-06. Review status: criteria provided, single submitter. Criteria: Invitae Variant Classification Sherloc (09022015). Collection method: clinical testing. Allele origin: germline.
Comment: In summary, the available evidence is currently insufficient to determine the role of this variant in disease. Therefore, it has been classified as a Variant of Uncertain Significance. This variant is not present in population databases (gnomAD no frequency). This sequence change replaces leucine, which is neutral and non-polar, with phenylalanine, which is neutral and non-polar, at codon 3713 of the PLEC protein (p.Leu3713Phe). An algorithm developed to predict the effect of missense changes on protein structure and function (PolyPhen-2) suggests that this variant is likely to be disruptive. This variant has not been reported in the literature in individuals affected with PLEC-related conditions.